The following is an entry in ClinVar:

NM_207352.4(CYP4V2):c.740T>C (p.Met247Thr)

Gene: CYP4V2 (cytochrome P450 family 4 subfamily V member 2; plus strand). Cytogenetic location: 4q35.1.
Variant type: single nucleotide variant.
Coding change: c.740T>C on transcript NM_207352.4 (MANE Select); coding-DNA position 740, T replaced by C.
Protein change: p.Met247Thr; replaces methionine 247 with threonine.
Molecular consequence: missense variant.
Genome position (GRCh38, 1-based): chr4:186,199,022, T>C. VCF-style: chr4-186199022-T-C. GRCh37 (hg19) VCF-style: chr4-187120176-T-C.
Other names: c.740T>C (NM_207352.3); short protein forms M247T.
Identifiers: ClinVar variation 1922678 (VCV001922678.7), dbSNP rs372835618, ClinGen allele CA3162641.
Genomic context (GRCh38, chr4:186,199,022, plus strand): 5'-GTGAGATGATATTTCGAAGAATAAAGATGCCCTGGCTTTGGCTTGATCTCTGGTACCTTA[T>C]GTTTAAAGAAGGATGGGAACACAAAAAGAGCCTTCAGATCCTACATACTTTTACCAACAG-3'
Protein context (NP_997235.3, residues 237-257): PWLWLDLWYL[Met247Thr]FKEGWEHKKS

ClinVar aggregate classification (germline): Uncertain significance. Review status: criteria provided, multiple submitters, no conflicts (2 of 4 stars). 2 submissions from 2 submitters: Uncertain significance (2). Last evaluated 2023-05-16.

Conditions:
Inborn genetic diseases. Identifiers: MedGen C0950123, MeSH D030342.

Allele frequency attached by ClinVar (database versions not stated): gnomAD exomes 0.00001; ExAC 0.00002; gnomAD 0.00003; TOPMed 0.00003; ESP Exome Variant Server 0.00015.
gnomAD v4.1: 18 of 1,614,034 alleles (0.0011%); highest among the groups gnomAD compares: African/African-American, 0.0027%; no homozygotes.

Submissions (2):

Ambry Genetics
Classification: Uncertain significance for Inborn genetic diseases. Last evaluated: 2023-05-16. Review status: criteria provided, single submitter. Criteria: Ambry Variant Classification Scheme 2023. Collection method: clinical testing. Allele origin: germline.

Labcorp Genetics (formerly Invitae), Labcorp
Classification: Uncertain significance. Last evaluated: 2022-06-14. Review status: criteria provided, single submitter. Criteria: Invitae Variant Classification Sherloc (09022015). Collection method: clinical testing. Allele origin: germline.
Comment: In summary, the available evidence is currently insufficient to determine the role of this variant in disease. Therefore, it has been classified as a Variant of Uncertain Significance. Advanced modeling of protein sequence and biophysical properties (such as structural, functional, and spatial information, amino acid conservation, physicochemical variation, residue mobility, and thermodynamic stability) performed at Invitae indicates that this missense variant is not expected to disrupt CYP4V2 protein function. This variant has not been reported in the literature in individuals affected with CYP4V2-related conditions. This variant is present in population databases (rs372835618, gnomAD 0.004%). This sequence change replaces methionine, which is neutral and non-polar, with threonine, which is neutral and polar, at codon 247 of the CYP4V2 protein (p.Met247Thr).